The following is an entry in ClinVar:

NM_182961.4(SYNE1):c.590G>A (p.Gly197Glu)

Gene: SYNE1 (spectrin repeat containing nuclear envelope protein 1; minus strand). Cytogenetic location: 6q25.2.
Variant type: single nucleotide variant.
Coding change: c.590G>A on transcript NM_182961.4 (MANE Select); coding-DNA position 590, G replaced by A.
Protein change: p.Gly197Glu; replaces glycine 197 with glutamic acid.
Molecular consequence: missense variant.
Genome position (GRCh38, 1-based): chr6:152,505,389, C>T on the plus strand (G>A on the coding strand, the complement: SYNE1 is on the minus strand). VCF-style: chr6-152505389-C-T. GRCh37 (hg19) VCF-style: chr6-152826524-C-T.
Other names: c.611G>A, p.Gly204Glu (NM_033071.5); short protein forms G197E, G204E.
Identifiers: ClinVar variation 199178 (VCV000199178.14), dbSNP rs150249753, ClinGen allele CA248245.

ClinVar aggregate classification (germline): Uncertain significance. Review status: criteria provided, multiple submitters, no conflicts (2 of 4 stars). 2 submissions from 2 submitters: Uncertain significance (2). Last evaluated 2022-10-25.

Conditions:
Autosomal recessive ataxia, Beauce type. Also called: SYNE1 Deficiency; Spinocerebellar ataxia, autosomal recessive 8; SYNE1-Related Autosomal Recessive Cerebellar Ataxia; ATAXIA, RECESSIVE, OF BEAUCE. Identifiers: Orphanet 88644, MedGen C1853116, MONDO:0012549, OMIM 610743.
Emery-Dreifuss muscular dystrophy 4, autosomal dominant (EDMD4). Also called: EMERY-DREIFUSS MUSCULAR DYSTROPHY 4 WITH VARIABLE FEATURES. Identifiers: Orphanet 261, MedGen C2751807, MONDO:0013071, OMIM 612998.

Allele frequency attached by ClinVar (database versions not stated): gnomAD exomes 0.00001; ExAC 0.00002; gnomAD 0.00003 and 0.00004; TOPMed 0.00004; ESP Exome Variant Server 0.00015.
gnomAD v4.1: 8 of 1,613,780 alleles (0.0005%); highest among the groups gnomAD compares: African/African-American, 0.011%; no homozygotes.

Submissions (2):

Labcorp Genetics (formerly Invitae), Labcorp
Classification: Uncertain significance for Emery-Dreifuss muscular dystrophy 4, autosomal dominant; Autosomal recessive ataxia, Beauce type. Last evaluated: 2022-10-25. Review status: criteria provided, single submitter. Criteria: Invitae Variant Classification Sherloc (09022015). Collection method: clinical testing. Allele origin: germline.
Comment: In summary, the available evidence is currently insufficient to determine the role of this variant in disease. Therefore, it has been classified as a Variant of Uncertain Significance. Algorithms developed to predict the effect of missense changes on protein structure and function are either unavailable or do not agree on the potential impact of this missense change (SIFT: "Deleterious"; PolyPhen-2: "Probably Damaging"; Align-GVGD: "Class C0"). ClinVar contains an entry for this variant (Variation ID: 199178). This variant has not been reported in the literature in individuals affected with SYNE1-related conditions. This variant is present in population databases (rs150249753, gnomAD 0.03%). This sequence change replaces glycine, which is neutral and non-polar, with glutamic acid, which is acidic and polar, at codon 204 of the SYNE1 protein (p.Gly204Glu).

Eurofins Ntd Llc (ga)
Classification: Uncertain significance. Last evaluated: 2015-04-12. Review status: criteria provided, single submitter. Criteria: EGL Classification Definitions 2015. Collection method: clinical testing. Allele origin: germline. Observed: 2 variant alleles, 2 heterozygotes.